The following is an entry in ClinVar:

ClinVar aggregate classification (germline): Uncertain significance (1 of 4 stars; one submission).

Conditions:
Hajdu-Cheney syndrome (HJCYS). Also called: Acroosteolysis dominant type; ACROOSTEOLYSIS WITH OSTEOPOROSIS AND CHANGES IN SKULL AND MANDIBLE; SERPENTINE FIBULA-POLYCYSTIC KIDNEY SYNDROME. Identifiers: Orphanet 955, MedGen C0917715, MONDO:0007057, OMIM 102500.

Submission:

Labcorp Genetics (formerly Invitae), Labcorp
Classification: Uncertain significance for Hajdu-Cheney syndrome. Last evaluated: 2023-11-17. Review status: criteria provided, single submitter. Criteria: Invitae Variant Classification Sherloc (09022015). Collection method: clinical testing. Allele origin: germline.
Comment: This sequence change replaces asparagine, which is neutral and polar, with tyrosine, which is neutral and polar, at codon 1971 of the NOTCH2 protein (p.Asn1971Tyr). This variant is not present in population databases (gnomAD no frequency). This variant has not been reported in the literature in individuals affected with NOTCH2-related conditions. Advanced modeling of protein sequence and biophysical properties (such as structural, functional, and spatial information, amino acid conservation, physicochemical variation, residue mobility, and thermodynamic stability) has been performed at Invitae for this missense variant, however the output from this modeling did not meet the statistical confidence thresholds required to predict the impact of this variant on NOTCH2 protein function. In summary, the available evidence is currently insufficient to determine the role of this variant in disease. Therefore, it has been classified as a Variant of Uncertain Significance.

NM_024408.4(NOTCH2):c.5911A>T (p.Asn1971Tyr)

Gene: NOTCH2 (notch receptor 2; minus strand). Cytogenetic location: 1p12.
Variant type: single nucleotide variant.
Coding change: c.5911A>T on transcript NM_024408.4 (MANE Select); coding-DNA position 5911, A replaced by T.
Protein change: p.Asn1971Tyr; replaces asparagine 1971 with tyrosine.
Molecular consequence: missense variant.
Genome position (GRCh38, 1-based): chr1:119,918,424, T>A on the plus strand (A>T on the coding strand, the complement: NOTCH2 is on the minus strand). VCF-style: chr1-119918424-T-A. GRCh37 (hg19) VCF-style: chr1-120461047-T-A.
Other names: short protein forms N1971Y.
Identifiers: ClinVar variation 2981902 (VCV002981902.3), dbSNP rs2526115564, ClinGen allele CA341882368.